The following is an entry in ClinVar:

NM_002778.4(PSAP):c.966G>A (p.Val322=)

Gene: PSAP (prosaposin; minus strand). Cytogenetic location: 10q22.1.
Variant type: single nucleotide variant.
Coding change: c.966G>A on transcript NM_002778.4 (MANE Select); coding-DNA position 966, G replaced by A.
Protein change: p.Val322=; no amino-acid change (valine 322 retained).
Molecular consequence: synonymous variant.
Genome position (GRCh38, 1-based): chr10:71,820,279, C>T on the plus strand (G>A on the coding strand, the complement: PSAP is on the minus strand). VCF-style: chr10-71820279-C-T. GRCh37 (hg19) VCF-style: chr10-73580036-C-T.
Other names: c.975G>A, p.Val325= (NM_001042465.3); c.972G>A, p.Val324= (NM_001042466.3).
Identifiers: ClinVar variation 751325 (VCV000751325.16), dbSNP rs139413990, ClinGen allele CA5547552.
Genomic context (GRCh38, chr10:71,820,279, plus strand): 5'-TCTGCCAGGAGGACAGCATACCTCAGTCTTGTTGTTGTCAATCAGCTTGGTCACCTCCTT[C>T]ACCAGGAATTCACACACCTCACAGTAAACATCAGACTTTGCTGGGACCTCGTGCTTCTGT-3'
Protein context (NP_002769.1, residues 312-332): DVYCEVCEFL[Val322=]KEVTKLIDNN

ClinVar aggregate classification (germline): Likely benign. Review status: criteria provided, multiple submitters, no conflicts (2 of 4 stars). 4 submissions from 4 submitters: Likely benign (2). 2 of the submissions do not count toward it. Last evaluated 2026-04-01.

Conditions:
Metachromatic leukodystrophy (MLD). Also called: ARSA DEFICIENCY; CEREBROSIDE SULFATASE DEFICIENCY; Cerebral sclerosis diffuse metachromatic form; Arylsulfatase A Deficiency; METACHROMATIC LEUKOENCEPHALOPATHY; SULFATIDE LIPIDOSIS. Identifiers: Orphanet 512, MedGen C0023522, MONDO:0018868, OMIM 250100.
PSAP-related disorder. Also called: PSAP-related condition.
Sphingolipid activator protein 1 deficiency. Also called: Saposin B Deficiency; Metachromatic leukodystrophy due to saposin B deficiency; METACHROMATIC LEUKODYSTROPHY DUE TO CEREBROSIDE SULFATASE ACTIVATOR DEFICIENCY. Identifiers: Orphanet 512, MedGen C0268262, MONDO:0009590, OMIM 249900.

Allele frequency attached by ClinVar (database versions not stated): gnomAD exomes 0.00003 and 0.00008; ExAC 0.00010; 1000 Genomes Project 30x 0.00016; 1000 Genomes Project 0.00020; gnomAD 0.00035 and 0.00037; TOPMed 0.00042; ESP Exome Variant Server 0.00054.

Submissions (4):

CeGaT Center for Human Genetics Tuebingen
Classification: Likely benign. Last evaluated: 2026-04-01. Review status: criteria provided, single submitter. Criteria: CeGaT Center For Human Genetics Tuebingen Variant Classification Criteria Version 2. Collection method: clinical testing. Allele origin: germline. Affected: yes. Observed: 1 variant allele.
Comment: PSAP: BP4, BP7

Labcorp Genetics (formerly Invitae), Labcorp
Classification: Likely benign for Sphingolipid activator protein 1 deficiency. Last evaluated: 2025-12-23. Review status: criteria provided, single submitter. Criteria: Invitae Variant Classification Sherloc (09022015). Collection method: clinical testing. Allele origin: germline.

PreventionGenetics, part of Exact Sciences
Classification: Likely benign for PSAP-related condition. Last evaluated: 2024-03-01. Review status: no assertion criteria provided. Collection method: clinical testing. Allele origin: germline. Not counted in ClinVar's aggregate classification.
Comment: This variant is classified as likely benign based on ACMG/AMP sequence variant interpretation guidelines (Richards et al. 2015 PMID: 25741868, with internal and published modifications).

Natera, Inc.
Classification: Uncertain significance for Metachromatic leukodystrophy. Last evaluated: 2020-01-24. Review status: no assertion criteria provided. Collection method: clinical testing. Allele origin: germline. Not counted in ClinVar's aggregate classification.